The following is an entry in ClinVar:

NM_000093.5(COL5A1):c.4135C>T (p.Pro1379Ser)

Gene: COL5A1 (collagen type V alpha 1 chain; plus strand). Cytogenetic location: 9q34.3.
Variant type: single nucleotide variant.
Coding change: c.4135C>T on transcript NM_000093.5 (MANE Select); coding-DNA position 4135, C replaced by T.
Protein change: p.Pro1379Ser; replaces proline 1379 with serine.
Molecular consequence: missense variant.
Genome position (GRCh38, 1-based): chr9:134,817,038, C>T. VCF-style: chr9-134817038-C-T. GRCh37 (hg19) VCF-style: chr9-137708884-C-T.
Other names: p.P1379S:CCT>TCT; c.4135C>T, p.Pro1379Ser (NM_001278074.1); short protein forms P1379S.
Identifiers: ClinVar variation 136890 (VCV000136890.74), dbSNP rs61739195, ClinGen allele CA290275.
Genomic context (GRCh38, chr9:134,817,038, plus strand): 5'-TCTAACGGGCCCCAATTCCTCACACTCTGTTCTTTCTCCCAATACCAGGGATCCCCCGGC[C>T]CTACTGGTGAACCAGGTCCATCGGGGCCTCCAGGAAAAAGGGTAAATAATCCTGCAGGCA-3'
Protein context (NP_000084.3, residues 1369-1389): GEPGQTGSPG[Pro1379Ser]TGEPGPSGPP

ClinVar aggregate classification (germline): Benign/Likely benign. Review status: criteria provided, multiple submitters, no conflicts (2 of 4 stars). 18 submissions from 17 submitters: Benign (15); Likely benign (1). 2 of the submissions do not count toward it. Last evaluated 2026-06-01.

Conditions:
Fibromuscular dysplasia, multifocal. Identifiers: MedGen C5543412, MONDO:0859151, OMIM 619329.
Ehlers-Danlos syndrome, classic type, 1 (EDSCL1). Also called: Ehlers-Danlos syndrome, type 1; Ehlers-Danlos Syndrome, Classic Type, COL5A1-Related; EDS I; EHLERS-DANLOS SYNDROME, GRAVIS TYPE; EHLERS-DANLOS SYNDROME, SEVERE CLASSIC TYPE. Identifiers: MedGen C0268335, MONDO:0019567, OMIM 130000.
Ehlers-Danlos syndrome (EDS). Identifiers: Orphanet 98249, MedGen C0013720, MONDO:0020066.
Familial thoracic aortic aneurysm and aortic dissection (TAAD). Also called: Thoracic aortic aneurysms and dissections. Identifiers: Orphanet 91387, MedGen C4707243, MONDO:0019625.

Allele frequency attached by ClinVar (database versions not stated): 1000 Genomes Project 30x 0.00359; 1000 Genomes Project 0.00399; TOPMed 0.00526; gnomAD 0.00595 and 0.00598; ESP Exome Variant Server 0.00730; ExAC 0.00742; gnomAD exomes 0.00749.
gnomAD v4.1: 12,397 of 1,613,868 alleles (0.77%); highest among the groups gnomAD compares: Middle Eastern, 2.9%; 81 homozygotes.

Submissions (18):

CeGaT Center for Human Genetics Tuebingen
Classification: Benign. Last evaluated: 2026-06-01. Review status: criteria provided, single submitter. Criteria: CeGaT Center For Human Genetics Tuebingen Variant Classification Criteria Version 2. Collection method: clinical testing. Allele origin: germline. Affected: yes. Observed: 38 variant alleles.
Comment: COL5A1: BS1, BS2

Labcorp Genetics (formerly Invitae), Labcorp
Classification: Benign for Ehlers-Danlos syndrome, classic type, 1. Last evaluated: 2026-02-04. Review status: criteria provided, single submitter. Criteria: Invitae Variant Classification Sherloc (09022015). Collection method: clinical testing. Allele origin: germline.

Molecular Diagnostic Laboratory for Inherited Cardiovascular Disease, Montreal Heart Institute
Classification: Benign. Last evaluated: 2025-04-09. Review status: criteria provided, single submitter. Criteria: ACMG Guidelines, 2015. Collection method: clinical testing. Allele origin: germline. Affected: no.
Comment: BS1;BP6

ARUP Laboratories, Molecular Genetics and Genomics, ARUP Laboratories
Classification: Benign. Last evaluated: 2024-12-12. Review status: criteria provided, single submitter. Criteria: ARUP Molecular Germline Variant Investigation Process 2024. Collection method: clinical testing. Allele origin: germline.

Blueprint Genetics
Classification: Benign. Last evaluated: 2024-11-27. Review status: criteria provided, single submitter. Criteria: ACMG Guidelines, 2015. Collection method: clinical testing. Allele origin: germline.

Genome Diagnostics Laboratory, The Hospital for Sick Children
Classification: Benign for Ehlers-Danlos syndrome. Last evaluated: 2022-05-27. Review status: criteria provided, single submitter. Criteria: ACMG Guidelines, 2015. Collection method: clinical testing. Allele origin: germline.

Genome-Nilou Lab
Classification: Benign for Ehlers-Danlos syndrome, classic type, 1. Last evaluated: 2022-03-15. Review status: criteria provided, single submitter. Criteria: ACMG Guidelines, 2015. Collection method: clinical testing. Allele origin: germline. Affected: no.

Genome-Nilou Lab
Classification: Benign for Fibromuscular dysplasia, multifocal. Last evaluated: 2022-03-15. Review status: criteria provided, single submitter. Criteria: ACMG Guidelines, 2015. Collection method: clinical testing. Allele origin: germline. Affected: no.

Fulgent Genetics
Classification: Benign for Ehlers-Danlos syndrome, classic type, 1; Fibromuscular dysplasia, multifocal. Last evaluated: 2021-10-04. Review status: criteria provided, single submitter. Criteria: ACMG Guidelines, 2015. Collection method: clinical testing. Allele origin: unknown.

Mayo Clinic Laboratories, Mayo Clinic
Classification: Benign. Last evaluated: 2018-12-27. Review status: criteria provided, single submitter. Criteria: ACMG Guidelines, 2015. Collection method: clinical testing. Allele origin: germline. Observed: 98 variant alleles.

Women's Health and Genetics/Laboratory Corporation of America, LabCorp
Classification: Benign. Last evaluated: 2017-03-10. Review status: criteria provided, single submitter. Criteria: LabCorp Variant Classification Summary - May 2015. Collection method: clinical testing. Allele origin: germline.
Comment: Variant summary: The COL5A1 c.4135C>T (p.Pro1379Ser) variant involves the alteration of a conserved nucleotide, resulting in a missense substitution. 4/5 in silico tools predict a damaging outcome for this variant, however these predictions have yet to be confirmed by functional studies. This variant was found in 900/121304 control chromosomes (7 homozygotes) at a frequency of 0.0074194, which is approximately 5935 times the estimated maximal expected allele frequency of a pathogenic COL5A1 variant (0.0000013), suggesting this variant is likely a benign polymorphism. In addition, multiple clinical diagnostic laboratories/reputable databases classified this variant as benign. Taken together, this variant is classified as benign.

Eurofins Ntd Llc (ga)
Classification: Benign. Last evaluated: 2016-11-22. Review status: criteria provided, single submitter. Criteria: EGL Classification Definitions 2015. Collection method: clinical testing. Allele origin: germline. Observed: 1 variant allele, 1 heterozygote.

Ambry Genetics
Classification: Benign for Familial thoracic aortic aneurysm and aortic dissection. Last evaluated: 2015-03-02. Review status: criteria provided, single submitter. Criteria: Ambry Variant Classification Scheme 2023. Collection method: clinical testing. Allele origin: germline.

GeneDx
Classification: Benign. Last evaluated: 2013-02-21. Review status: criteria provided, single submitter. Criteria: GeneDx Variant Classification (06012015). Collection method: clinical testing. Allele origin: germline. Affected: yes.
Comment: This variant is considered likely benign or benign based on one or more of the following criteria: it is a conservative change, it occurs at a poorly conserved position in the protein, it is predicted to be benign by multiple in silico algorithms, and/or has population frequency not consistent with disease.

Breakthrough Genomics
Classification: Likely benign. Review status: criteria provided, single submitter. Criteria: ACMG Guidelines, 2015. Collection method: not provided. Allele origin: germline. Inheritance: Autosomal dominant inheritance. Affected: yes.

PreventionGenetics, part of Exact Sciences
Classification: Benign. Review status: criteria provided, single submitter. Criteria: ACMG Guidelines, 2015. Collection method: clinical testing. Allele origin: germline.

Genome Diagnostics Laboratory, Amsterdam University Medical Center
Classification: Benign. Review status: no assertion criteria provided. Collection method: clinical testing. Allele origin: germline. Affected: yes. Study: VKGL Data-share Consensus. Not counted in ClinVar's aggregate classification.

Genome Diagnostics Laboratory, University Medical Center Utrecht
Classification: Benign. Review status: no assertion criteria provided. Collection method: clinical testing. Allele origin: germline. Affected: yes. Study: VKGL Data-share Consensus. Not counted in ClinVar's aggregate classification.

Literature cited by the submitters: PubMed 26608033 (cited by Women's Health and Genetics/Laboratory Corporation of America, LabCorp).